The following is an entry in ClinVar:

ClinVar aggregate classification (germline): Uncertain significance (1 of 4 stars; one submission).

Conditions:
Bardet-Biedl syndrome (BBS). Identifiers: Orphanet 110, MedGen C0752166, MONDO:0015229.

Allele frequency attached by ClinVar (database versions not stated): gnomAD exomes below 0.00001 and 0.00001; ExAC 0.00001.
gnomAD v4.1: 3 of 1,609,414 alleles (0.00019%); highest among the groups gnomAD compares: Admixed American, 0.0017%; no homozygotes.

Submission:

Labcorp Genetics (formerly Invitae), Labcorp
Classification: Uncertain significance for Bardet-Biedl syndrome. Last evaluated: 2022-10-13. Review status: criteria provided, single submitter. Criteria: Invitae Variant Classification Sherloc (09022015). Collection method: clinical testing. Allele origin: germline.
Comment: In summary, the available evidence is currently insufficient to determine the role of this variant in disease. Therefore, it has been classified as a Variant of Uncertain Significance. Advanced modeling of protein sequence and biophysical properties (such as structural, functional, and spatial information, amino acid conservation, physicochemical variation, residue mobility, and thermodynamic stability) performed at Invitae indicates that this missense variant is not expected to disrupt BBS10 protein function. ClinVar contains an entry for this variant (Variation ID: 1487262). This variant has not been reported in the literature in individuals affected with BBS10-related conditions. This variant is present in population databases (rs749876979, gnomAD 0.003%). This sequence change replaces tyrosine, which is neutral and polar, with cysteine, which is neutral and slightly polar, at codon 617 of the BBS10 protein (p.Tyr617Cys).

NM_024685.4(BBS10):c.1850A>G (p.Tyr617Cys)

Gene: BBS10 (Bardet-Biedl syndrome 10; minus strand). Cytogenetic location: 12q21.2.
Variant type: single nucleotide variant.
Coding change: c.1850A>G on transcript NM_024685.4 (MANE Select); coding-DNA position 1850, A replaced by G.
Protein change: p.Tyr617Cys; replaces tyrosine 617 with cysteine.
Molecular consequence: missense variant.
Genome position (GRCh38, 1-based): chr12:76,346,135, T>C on the plus strand (A>G on the coding strand, the complement: BBS10 is on the minus strand). VCF-style: chr12-76346135-T-C. GRCh37 (hg19) VCF-style: chr12-76739915-T-C.
Other names: short protein forms Y617C.
Identifiers: ClinVar variation 1487262 (VCV001487262.8), dbSNP rs749876979, ClinGen allele CA6694095.
Genomic context (GRCh38, chr12:76,346,135, plus strand): 5'-AGTGCATTAGCTATTATCATACTAACCATGGTTTCTTCTGATTGATGGCATTTTTTGGCA[T>C]AATTGAGAAGATAGTAATGTAACAAGATCTCAAAATTACCACCTACTGGCAAAACACAAC-3'
Protein context (NP_078961.3, residues 607-627): EILLHYYLLN[Tyr617Cys]AKKCHQSEET